The following is an entry in ClinVar:

ClinVar aggregate classification (germline): Uncertain significance (1 of 4 stars; one submission).

gnomAD v4.1: 3 of 1,588,638 alleles (0.00019%); highest among the groups gnomAD compares: East Asian, 0.0022%; no homozygotes.

Submission:

Labcorp Genetics (formerly Invitae), Labcorp
Classification: Uncertain significance. Last evaluated: 2021-05-18. Review status: criteria provided, single submitter. Criteria: Invitae Variant Classification Sherloc (09022015). Collection method: clinical testing. Allele origin: germline.
Comment: In summary, the available evidence is currently insufficient to determine the role of this variant in disease. Therefore, it has been classified as a Variant of Uncertain Significance. Algorithms developed to predict the effect of missense changes on protein structure and function are either unavailable or do not agree on the potential impact of this missense change (SIFT: "Deleterious"; PolyPhen-2: "Benign"; Align-GVGD: "Class C0"). This variant has not been reported in the literature in individuals with GUCY2C-related conditions. This variant is not present in population databases (ExAC no frequency). This sequence change replaces asparagine with lysine at codon 726 of the GUCY2C protein (p.Asn726Lys). The asparagine residue is weakly conserved and there is a moderate physicochemical difference between asparagine and lysine.

NM_004963.4(GUCY2C):c.2178C>A (p.Asn726Lys)

Gene: GUCY2C (guanylate cyclase 2C; minus strand). Cytogenetic location: 12p12.3.
Variant type: single nucleotide variant.
Coding change: c.2178C>A on transcript NM_004963.4 (MANE Select); coding-DNA position 2178, C replaced by A.
Protein change: p.Asn726Lys; replaces asparagine 726 with lysine.
Molecular consequence: missense variant.
Genome position (GRCh38, 1-based): chr12:14,628,717, G>T on the plus strand (C>A on the coding strand, the complement: GUCY2C is on the minus strand). VCF-style: chr12-14628717-G-T. GRCh37 (hg19) VCF-style: chr12-14781651-G-T.
Other names: short protein forms N726K.
Identifiers: ClinVar variation 1399431 (VCV001399431.8), dbSNP rs963465831, ClinGen allele CA383998786.
Genomic context (GRCh38, chr12:14,628,717, plus strand): 5'-GGCAAGTGTAGTCTCAATTTTTTTGAAATCTGGTCTCTTTTCTGGATCTTCCTCCCAACA[G>T]TTTTTTACAAGTAGGTACACCTGGAAGAAAAAAAAACGGGCAAATTAGCTAAGGGGATAG-3'
Protein context (NP_004954.2, residues 716-736): KELEVYLLVK[Asn726Lys]CWEEDPEKRP